The following is an entry in ClinVar:

NM_001845.6(COL4A1):c.3505+4T>G

Gene: COL4A1 (collagen type IV alpha 1 chain; minus strand). Cytogenetic location: 13q34.
Variant type: single nucleotide variant.
Coding change: c.3505+4T>G on transcript NM_001845.6 (MANE Select); 4 bases into the intron after coding-DNA position 3505, T replaced by G.
Molecular consequence: intron variant.
Genome position (GRCh38, 1-based): chr13:110,173,896, A>C on the plus strand (T>G on the coding strand, the complement: COL4A1 is on the minus strand). VCF-style: chr13-110173896-A-C. GRCh37 (hg19) VCF-style: chr13-110826243-A-C.
Identifiers: ClinVar variation 2001872 (VCV002001872.4), dbSNP rs767136760, ClinGen allele CA2580087134.

ClinVar aggregate classification (germline): Uncertain significance (1 of 4 stars; one submission).

Submission:

Labcorp Genetics (formerly Invitae), Labcorp
Classification: Uncertain significance. Last evaluated: 2025-06-03. Review status: criteria provided, single submitter. Criteria: Invitae Variant Classification Sherloc (09022015). Collection method: clinical testing. Allele origin: germline.
Comment: This sequence change falls in intron 40 of the COL4A1 gene. It does not directly change the encoded amino acid sequence of the COL4A1 protein. It affects a nucleotide within the consensus splice site. This variant is not present in population databases (gnomAD no frequency). This variant has not been reported in the literature in individuals affected with COL4A1-related conditions. ClinVar contains an entry for this variant (Variation ID: 2001872). Variants that disrupt the consensus splice site are a relatively common cause of aberrant splicing (PMID: 17576681, 9536098). Algorithms developed to predict the effect of sequence changes on RNA splicing suggest that this variant is not likely to affect RNA splicing. In summary, the available evidence is currently insufficient to determine the role of this variant in disease. Therefore, it has been classified as a Variant of Uncertain Significance.

Literature cited by the submitters: PubMed 17576681; PubMed 9536098.